The following is an entry in ClinVar:

NM_000414.4(HSD17B4):c.595C>T (p.Arg199Trp)

Gene: HSD17B4 (hydroxysteroid 17-beta dehydrogenase 4; plus strand). Cytogenetic location: 5q23.1.
Variant type: single nucleotide variant.
Coding change: c.595C>T on transcript NM_000414.4 (MANE Select); coding-DNA position 595, C replaced by T.
Protein change: p.Arg199Trp; replaces arginine 199 with tryptophan.
Molecular consequence: missense variant. On other transcripts: non-coding transcript variant (2).
Genome position (GRCh38, 1-based): chr5:119,478,994, C>T. VCF-style: chr5-119478994-C-T. GRCh37 (hg19) VCF-style: chr5-118814689-C-T.
Other names: c.670C>T, p.Arg224Trp (NM_001199291.3); c.541C>T, p.Arg181Trp (NM_001199292.2); c.523C>T, p.Arg175Trp (NM_001292027.2); c.175C>T, p.Arg59Trp (NM_001292028.2); c.586C>T, p.Arg196Trp (NM_001374497.1); c.595C>T, p.Arg199Trp (NM_001374498.1); c.268C>T, p.Arg90Trp (NM_001374499.1); c.154C>T, p.Arg52Trp (NM_001374500.1); and 2 more; short protein forms R175W, R59W, R62W, R181W, R199W, R224W, R196W, R52W.
Identifiers: ClinVar variation 2044553 (VCV002044553.5), dbSNP rs781288160, ClinGen allele CA3381885.

ClinVar aggregate classification (germline): Conflicting classifications of pathogenicity. Review status: criteria provided, conflicting classifications (1 of 4 stars). 5 submissions from 5 submitters: Likely pathogenic (2); Uncertain significance (3). Last evaluated 2024-05-20.

Conditions:
Bifunctional peroxisomal enzyme deficiency (DBIF). Also called: D-bifunctional protein deficiency; PBFE DEFICIENCY; DBP DEFICIENCY. Identifiers: Orphanet 300, MedGen C0342870, MONDO:0009855, OMIM 261515. Disease mechanism: loss of function.
Perrault syndrome. Also called: Gonadal dysgenesis with auditory dysfunction, autosomal recessive inheritance. Identifiers: Orphanet 2855, MedGen C0685838, MONDO:0017312.
Perrault syndrome 1 (PRLTS1). Also called: GONADAL DYSGENESIS, XX TYPE, WITH DEAFNESS; OVARIAN DYSGENESIS WITH SENSORINEURAL DEAFNESS. Identifiers: Orphanet 2855, Orphanet 642945, MedGen C4551721, MONDO:0009300, OMIM 233400.

Allele frequency attached by ClinVar (database versions not stated): ExAC 0.00001; gnomAD exomes 0.00001.
gnomAD v4.1: 18 of 1,613,464 alleles (0.0011%); highest among the groups gnomAD compares: South Asian, 0.0044%; no homozygotes.

Submissions (5):

Pittsburgh Clinical Genomics Laboratory, University of Pittsburgh Medical Center
Classification: Likely pathogenic for Bifunctional peroxisomal enzyme deficiency. Last evaluated: 2024-05-20. Review status: criteria provided, single submitter. Criteria: ACMG Guidelines, 2015. Collection method: clinical testing. Allele origin: germline. Inheritance: Autosomal recessive inheritance. Affected: yes.
Comment: This sequence variant is a single nucleotide substitution (C>T) at position 599 of the coding sequence of the HSD17B4 gene that results in an arginine to tryptophan amino acid change at residue 199 of the hydroxysteroid 17-beta dehydrogese 4 protein. This residue falls in the (3R)-hydroxyacyl-CoA dehydrogese domain of the protein (UniProt). This is a previously reported variant (ClinVar 2044553) that has been observed in homozygous state in an individual affected by D-bifunctiol enzyme deficiency (PMID: 33510602). This variant is present in 4 of 250874 alleles (0.0016%) in the gnomAD population dataset. Multiple bioinformatic tools predict that this amino acid change would be damaging, and the Arg224 residue at this position is moderately conserved across the vertebrate species examined. Based on the available evidence, we consider this variant to be likely pathogenic. ACMG Criteria: PM2, PP3, PP4, PS3

Fulgent Genetics
Classification: Likely pathogenic for Perrault syndrome 1; Bifunctional peroxisomal enzyme deficiency. Last evaluated: 2024-04-12. Review status: criteria provided, single submitter. Criteria: ACMG Guidelines, 2015. Collection method: clinical testing. Allele origin: germline.

Women's Health and Genetics/Laboratory Corporation of America, LabCorp
Classification: Uncertain significance. Last evaluated: 2023-07-28. Review status: criteria provided, single submitter. Criteria: LabCorp Variant Classification Summary - May 2015. Collection method: clinical testing. Allele origin: germline.
Comment: Variant summary: HSD17B4 c.595C>T (p.Arg199Trp) results in a non-conservative amino acid change in the encoded protein sequence. Five of five in-silico tools predict a damaging effect of the variant on protein function. The variant allele was found at a frequency of 1.6e-05 in 250874 control chromosomes. c.595C>T has been reported in the literature in individuals affected with D-Bifunctional Protein Deficiency (Arora_2020). These data indicate that the variant may be associated with disease. To our knowledge, no experimental evidence demonstrating an impact on protein function has been reported. The following publication have been ascertained in the context of this evaluation (PMID: 33510602). One submitter has cited clinical-significance assessments for this variant to ClinVar after 2014 and has classified the variant as uncertain significance. Based on the evidence outlined above, the variant was classified as VUS-possibly pathogenic.

GeneDx
Classification: Uncertain significance. Last evaluated: 2023-01-19. Review status: criteria provided, single submitter. Criteria: GeneDx Variant Classification Process June 2021. Collection method: clinical testing. Allele origin: germline. Affected: yes.
Comment: Not observed at significant frequency in large population cohorts (gnomAD); In silico analysis supports that this missense variant has a deleterious effect on protein structure/function; This variant is associated with the following publications: (PMID: 33510602)

Labcorp Genetics (formerly Invitae), Labcorp
Classification: Uncertain significance for Perrault syndrome; Bifunctional peroxisomal enzyme deficiency. Last evaluated: 2022-04-11. Review status: criteria provided, single submitter. Criteria: Invitae Variant Classification Sherloc (09022015). Collection method: clinical testing. Allele origin: germline.
Comment: This sequence change replaces arginine, which is basic and polar, with tryptophan, which is neutral and slightly polar, at codon 199 of the HSD17B4 protein (p.Arg199Trp). This variant is present in population databases (rs781288160, gnomAD 0.003%). This missense change has been observed in individual(s) with D-bifunctional protein deficiency (PMID: 33510602). This variant is also known as c.670C>T (p.Arg224Trp). Advanced modeling of protein sequence and biophysical properties (such as structural, functional, and spatial information, amino acid conservation, physicochemical variation, residue mobility, and thermodynamic stability) performed at Invitae indicates that this missense variant is expected to disrupt HSD17B4 protein function. In summary, the available evidence is currently insufficient to determine the role of this variant in disease. Therefore, it has been classified as a Variant of Uncertain Significance.

Literature cited by the submitters: PubMed 33510602 (cited by 3 submitters).